The following is an entry in ClinVar:

ClinVar aggregate classification (germline): Pathogenic (1 of 4 stars; one submission).

Conditions:
Inborn genetic diseases. Identifiers: MedGen C0950123, MeSH D030342.
Ocular cystinosis. Also called: Non-Nephropathic Cystinosis; Non-Nephropathic (Ocular) Cystinosis. Identifiers: Orphanet 213, Orphanet 411641, MedGen C2931013, MONDO:0009064, OMIM 219750.
Juvenile nephropathic cystinosis. Also called: Intermediate Cystinosis; CYSTINOSIS, LATE-ONSET JUVENILE OR ADOLESCENT NEPHROPATHIC TYPE; Later-Onset (Juvenile) Cystinosis. Identifiers: Orphanet 213, Orphanet 411634, MedGen C0268626, MONDO:0009066, OMIM 219900.

Submission:

Labcorp Genetics (formerly Invitae), Labcorp
Classification: Pathogenic for Inborn genetic diseases; Ocular cystinosis; Juvenile nephropathic cystinosis. Last evaluated: 2023-05-16. Review status: criteria provided, single submitter. Criteria: Invitae Variant Classification Sherloc (09022015). Collection method: clinical testing. Allele origin: germline.
Comment: For these reasons, this variant has been classified as Pathogenic. Algorithms developed to predict the effect of sequence changes on RNA splicing suggest that this variant may disrupt the consensus splice site. This variant has not been reported in the literature in individuals affected with CTNS-related conditions. This variant is not present in population databases (gnomAD no frequency). This sequence change creates a premature translational stop signal (p.Val136Cysfs*92) in the CTNS gene. It is expected to result in an absent or disrupted protein product. Loss-of-function variants in CTNS are known to be pathogenic (PMID: 9537412, 27102039).

Literature cited by the submitters: PubMed 9537412; PubMed 27102039.

NM_004937.3(CTNS):c.405dup (p.Val136fs)

Genes: CTNS (cystinosin, lysosomal cystine transporter; plus strand), CTNS-AS1 (CTNS antisense RNA 1; minus strand). Cytogenetic location: 17p13.2.
Variant type: Duplication.
Coding change: c.405dup on transcript NM_004937.3 (MANE Select); coding-DNA position 405, one base duplicated (T; older notation c.405dupT).
Protein change: p.Val136fs; shifts the reading frame from valine 136.
Molecular consequence: frameshift variant. On other transcripts: 5 prime UTR variant (4).
Genome position (GRCh38, 1-based): chr17:3,655,296, T duplicated; the last of 3 consecutive T bases (chr17:3,655,294-3,655,296); duplicating any one gives the same sequence. VCF-style (leftmost placement, unchanged base first): chr17-3655293-C-CT. GRCh37 (hg19) VCF-style: chr17-3558587-C-CT.
Other names: c.405dup, p.Val136fs (NM_001031681.3, NM_001374492.1); c.-37dup (NM_001374493.1, NM_001374494.1, NM_001374495.1 and 1 more transcripts); short protein forms V136fs.
Identifiers: ClinVar variation 2947243 (VCV002947243.3), dbSNP rs2507745496, ClinGen allele CA2740095191.